The following is an entry in ClinVar:

NM_014112.5(TRPS1):c.2572T>G (p.Leu858Val)

Gene: TRPS1 (transcriptional repressor GATA binding 1; minus strand). Cytogenetic location: 8q23.3.
Variant type: single nucleotide variant.
Coding change: c.2572T>G on transcript NM_014112.5 (MANE Select); coding-DNA position 2572, T replaced by G.
Protein change: p.Leu858Val; replaces leucine 858 with valine.
Molecular consequence: missense variant.
Genome position (GRCh38, 1-based): chr8:115,587,129, A>C on the plus strand (T>G on the coding strand, the complement: TRPS1 is on the minus strand). VCF-style: chr8-115587129-A-C. GRCh37 (hg19) VCF-style: chr8-116599356-A-C.
Other names: c.2545T>G, p.Leu849Val (NM_001282902.3); c.2551T>G, p.Leu851Val (NM_001282903.3); c.2533T>G, p.Leu845Val (NM_001330599.2); short protein forms L845V, L851V, L849V, L858V.
Identifiers: ClinVar variation 2922591 (VCV002922591.3), dbSNP rs1404627119, ClinGen allele CA372064838.

ClinVar aggregate classification (germline): Uncertain significance (1 of 4 stars; one submission).

Conditions:
Trichorhinophalangeal dysplasia type I (TRPS1). Also called: TRICHORHINOPHALANGEAL SYNDROME, TYPE I; TRPS I. Identifiers: Orphanet 77258, MedGen C0432233, MONDO:0008596, OMIM 190350.
Trichorhinophalangeal syndrome, type III (TRPS3). Also called: SUGIO-KAJII SYNDROME. Identifiers: Orphanet 77258, MedGen C1860823, OMIM 190351, MONDO:0008597.

Allele frequency attached by ClinVar (database versions not stated): gnomAD exomes below 0.00001.
gnomAD v4.1: 2 of 1,614,152 alleles (0.00012%); highest among the groups gnomAD compares: Admixed American, 0.0033%; no homozygotes.

Submission:

Labcorp Genetics (formerly Invitae), Labcorp
Classification: Uncertain significance for Trichorhinophalangeal syndrome, type III; Trichorhinophalangeal dysplasia type I. Last evaluated: 2026-01-19. Review status: criteria provided, single submitter. Criteria: Invitae Variant Classification Sherloc (09022015). Collection method: clinical testing. Allele origin: germline.
Comment: This sequence change replaces leucine, which is neutral and non-polar, with valine, which is neutral and non-polar, at codon 858 of the TRPS1 protein (p.Leu858Val). This variant is present in population databases (no rsID available, gnomAD 0.003%). This variant has not been reported in the literature in individuals affected with TRPS1-related conditions. ClinVar contains an entry for this variant (Variation ID: 2922591). Invitae Evidence Modeling of protein sequence and biophysical properties (such as structural, functional, and spatial information, amino acid conservation, physicochemical variation, residue mobility, and thermodynamic stability) has been performed for this missense variant. However, the output from this modeling did not meet the statistical confidence thresholds required to predict the impact of this variant on TRPS1 protein function. In summary, the available evidence is currently insufficient to determine the role of this variant in disease. Therefore, it has been classified as a Variant of Uncertain Significance.